The following is an entry in ClinVar:

ClinVar aggregate classification (germline): Uncertain significance (1 of 4 stars; one submission).

gnomAD v4.1: 13 of 1,613,814 alleles (0.00081%); highest among the groups gnomAD compares: Admixed American, 0.0083%; no homozygotes.

Submission:

Labcorp Genetics (formerly Invitae), Labcorp
Classification: Uncertain significance. Last evaluated: 2025-08-31. Review status: criteria provided, single submitter. Criteria: Invitae Variant Classification Sherloc (09022015). Collection method: clinical testing. Allele origin: germline.
Comment: This sequence change replaces serine, which is neutral and polar, with threonine, which is neutral and polar, at codon 625 of the ASPM protein (p.Ser625Thr). This variant is present in population databases (rs752436010, gnomAD 0.01%). This variant has not been reported in the literature in individuals affected with ASPM-related conditions. Invitae Evidence Modeling of protein sequence and biophysical properties (such as structural, functional, and spatial information, amino acid conservation, physicochemical variation, residue mobility, and thermodynamic stability) has been performed for this missense variant. However, the output from this modeling did not meet the statistical confidence thresholds required to predict the impact of this variant on ASPM protein function. In summary, the available evidence is currently insufficient to determine the role of this variant in disease. Therefore, it has been classified as a Variant of Uncertain Significance.

NM_018136.5(ASPM):c.1873T>A (p.Ser625Thr)

Gene: ASPM (assembly factor for spindle microtubules; minus strand). Cytogenetic location: 1q31.3.
Variant type: single nucleotide variant.
Coding change: c.1873T>A on transcript NM_018136.5 (MANE Select); coding-DNA position 1873, T replaced by A.
Protein change: p.Ser625Thr; replaces serine 625 with threonine.
Molecular consequence: missense variant.
Genome position (GRCh38, 1-based): chr1:197,142,379, A>T on the plus strand (T>A on the coding strand, the complement: ASPM is on the minus strand). VCF-style: chr1-197142379-A-T. GRCh37 (hg19) VCF-style: chr1-197111509-A-T.
Other names: c.1873T>A, p.Ser625Thr (NM_001206846.2); short protein forms S625T.
Identifiers: ClinVar variation 4755082 (VCV004755082.1).
Genomic context (GRCh38, chr1:197,142,379, plus strand): 5'-AACAAGACTCACCAGTTTTCTTCTTCAGGTTTAATTTCTCTCTGTTGCTAATACGTTTTG[A>T]GATGGGTGTTGTCACATTTTTTGTTTTCTTAACAGCTGATGTTTTAGGCTCTGAGGGAGA-3'
Protein context (NP_060606.3, residues 615-635): KKTKNVTTPI[Ser625Thr]KRISNREKLN